The following is an entry in ClinVar:

NM_004629.2(FANCG):c.1636+7_1636+8delinsGA

Gene: FANCG (FA complementation group G; minus strand). Cytogenetic location: 9p13.3.
Variant type: Indel.
Coding change: c.1636+7_1636+8delinsGA on transcript NM_004629.2 (MANE Select); bases 7 to 8 of the intron after coding-DNA position 1636, AT replaced by GA.
Molecular consequence: intron variant.
Genome position (GRCh38, 1-based): chr9:35,074,919-35,074,920, AT replaced by TC on the plus strand (AT replaced by GA on the coding strand, the reverse complement: FANCG is on the minus strand). VCF-style: chr9-35074919-AT-TC. GRCh37 (hg19) VCF-style: chr9-35074916-AT-TC.
Identifiers: ClinVar variation 2967219 (VCV002967219.3), dbSNP rs2490395593, ClinGen allele CA2740095457.

ClinVar aggregate classification (germline): Uncertain significance (1 of 4 stars; one submission).

Conditions:
Fanconi anemia (FA). Also called: Fanconi's anemia. Identifiers: Orphanet 84, MedGen C0015625, MeSH D005199, MONDO:0019391.

Submission:

Labcorp Genetics (formerly Invitae), Labcorp
Classification: Uncertain significance for Fanconi anemia. Last evaluated: 2023-03-29. Review status: criteria provided, single submitter. Criteria: Invitae Variant Classification Sherloc (09022015). Collection method: clinical testing. Allele origin: germline.
Comment: In summary, the available evidence is currently insufficient to determine the role of this variant in disease. Therefore, it has been classified as a Variant of Uncertain Significance. Experimental studies and prediction algorithms are not available or were not evaluated, and the effect of this variant on mRNA splicing is currently unknown. This variant has not been reported in the literature in individuals affected with FANCG-related conditions. Information on the frequency of this variant in the gnomAD database is not available, as this variant may be reported differently in the database. This sequence change falls in intron 12 of the FANCG gene. It does not directly change the encoded amino acid sequence of the FANCG protein.